The following is an entry in ClinVar:

NM_000342.4(SLC4A1):c.1596_1605delinsT (p.Ile533_Glu535del)

Gene: SLC4A1 (solute carrier family 4 member 1 (Diego blood group); minus strand). Cytogenetic location: 17q21.31.
Variant type: Indel.
Coding change: c.1596_1605delinsT on transcript NM_000342.4 (MANE Select); coding-DNA positions 1596 to 1605, CATCTATGAG replaced by T.
Protein change: p.Ile533_Glu535del.
Genome position (GRCh38, 1-based): chr17:44,257,371-44,257,380, CTCATAGATG replaced by A on the plus strand (CATCTATGAG replaced by T on the coding strand, the reverse complement: SLC4A1 is on the minus strand). VCF-style: chr17-44257371-CTCATAGATG-A. GRCh37 (hg19) VCF-style: chr17-42334739-CTCATAGATG-A.
Identifiers: ClinVar variation 3044258 (VCV003044258.2), dbSNP rs2509965507, ClinGen allele CA2740093753.

ClinVar aggregate classification (germline): Likely pathogenic (0 of 4 stars; one submission).

Conditions:
SLC4A1-related disorder. Also called: SLC4A1-related disorders; SLC4A1-related condition.

Submission:

PreventionGenetics, part of Exact Sciences
Classification: Likely pathogenic for SLC4A1-related condition. Last evaluated: 2023-10-30. Review status: no assertion criteria provided. Collection method: clinical testing. Allele origin: germline.
Comment: The SLC4A1 c.1596_1605delinsT variant is predicted to result in an in-frame deletion and insertion. To our knowledge, this variant has not been reported in the literature or in a large population database, indicating this variant is rare. Taken together, this variant is interpreted as likely pathogenic.